The following is an entry in ClinVar:

NM_006431.3(CCT2):c.632A>G (p.Asp211Gly)

Gene: CCT2 (chaperonin containing TCP1 subunit 2; plus strand). Cytogenetic location: 12q15.
Variant type: single nucleotide variant.
Coding change: c.632A>G on transcript NM_006431.3 (MANE Select); coding-DNA position 632, A replaced by G.
Protein change: p.Asp211Gly; replaces aspartic acid 211 with glycine.
Molecular consequence: missense variant.
Genome position (GRCh38, 1-based): chr12:69,589,670, A>G. VCF-style: chr12-69589670-A-G. GRCh37 (hg19) VCF-style: chr12-69983450-A-G.
Other names: c.491A>G, p.Asp164Gly (NM_001198842.2); short protein forms D164G, D211G.
Identifiers: ClinVar variation 940892 (VCV000940892.8), dbSNP rs149575738, ClinGen allele CA6680621.

ClinVar aggregate classification (germline): Uncertain significance (1 of 4 stars; one submission).

Allele frequency attached by ClinVar (database versions not stated): ExAC 0.00014; 1000 Genomes Project 30x 0.00016; 1000 Genomes Project 0.00020; gnomAD exomes 0.00023 and 0.00042; gnomAD 0.00025 and 0.00026; TOPMed 0.00026; ESP Exome Variant Server 0.00031.
gnomAD v4.1: 644 of 1,612,496 alleles (0.04%); highest among the groups gnomAD compares: Non-Finnish European, 0.051%; 1 homozygote.

Submission:

Labcorp Genetics (formerly Invitae), Labcorp
Classification: Uncertain significance. Last evaluated: 2025-09-03. Review status: criteria provided, single submitter. Criteria: Invitae Variant Classification Sherloc (09022015). Collection method: clinical testing. Allele origin: germline.
Comment: This sequence change replaces aspartic acid, which is acidic and polar, with glycine, which is neutral and non-polar, at codon 211 of the CCT2 protein (p.Asp211Gly). This variant is present in population databases (rs149575738, gnomAD 0.05%). This variant has not been reported in the literature in individuals affected with CCT2-related conditions. ClinVar contains an entry for this variant (Variation ID: 940892). An algorithm developed to predict the effect of missense changes on protein structure and function (PolyPhen-2) suggests that this variant is likely to be disruptive. In summary, the available evidence is currently insufficient to determine the role of this variant in disease. Therefore, it has been classified as a Variant of Uncertain Significance.